The following is an entry in ClinVar:

NM_000553.6(WRN):c.3616G>C (p.Glu1206Gln)

Gene: WRN (WRN RecQ like helicase; plus strand). Cytogenetic location: 8p12.
Variant type: single nucleotide variant.
Coding change: c.3616G>C on transcript NM_000553.6 (MANE Select); coding-DNA position 3616, G replaced by C.
Protein change: p.Glu1206Gln; replaces glutamic acid 1206 with glutamine.
Molecular consequence: missense variant.
Genome position (GRCh38, 1-based): chr8:31,150,384, G>C. VCF-style: chr8-31150384-G-C. GRCh37 (hg19) VCF-style: chr8-31007900-G-C.
Other names: short protein forms E1206Q.
Identifiers: ClinVar variation 568456 (VCV000568456.7), dbSNP rs746082406, ClinGen allele CA4705134.
Genomic context (GRCh38, chr8:31,150,384, plus strand): 5'-GTTGTTGTTAAACACAGACCAACTACGGTTGAAAACGTAAAAAGGATTGATGGTGTTTCT[G>C]AAGGCAAAGCTGCCATGTTGGCCCCTCTGTTGGAAGTCATCAAACATTTCTGCCAAACAA-3'
Protein context (NP_000544.2, residues 1196-1216): ENVKRIDGVS[Glu1206Gln]GKAAMLAPLL

ClinVar aggregate classification (germline): Uncertain significance (1 of 4 stars; one submission).

Conditions:
Werner syndrome (WRN). Identifiers: Orphanet 902, MedGen C0043119, MONDO:0010196, OMIM 277700.

Allele frequency attached by ClinVar (database versions not stated): gnomAD exomes below 0.00001; ExAC 0.00001; gnomAD 0.00001; TOPMed 0.00002.
gnomAD v4.1: 2 of 1,613,992 alleles (0.00012%); highest among the groups gnomAD compares: African/African-American, 0.0027%; no homozygotes.

Submission:

Labcorp Genetics (formerly Invitae), Labcorp
Classification: Uncertain significance for Werner syndrome. Last evaluated: 2024-04-08. Review status: criteria provided, single submitter. Criteria: Invitae Variant Classification Sherloc (09022015). Collection method: clinical testing. Allele origin: germline.
Comment: This sequence change replaces glutamic acid, which is acidic and polar, with glutamine, which is neutral and polar, at codon 1206 of the WRN protein (p.Glu1206Gln). This variant is present in population databases (rs746082406, gnomAD 0.008%). This variant has not been reported in the literature in individuals affected with WRN-related conditions. ClinVar contains an entry for this variant (Variation ID: 568456). An algorithm developed to predict the effect of missense changes on protein structure and function (PolyPhen-2) suggests that this variant is likely to be disruptive. In summary, the available evidence is currently insufficient to determine the role of this variant in disease. Therefore, it has been classified as a Variant of Uncertain Significance.